The following is an entry in ClinVar:

ClinVar aggregate classification (germline): Uncertain significance (1 of 4 stars; one submission).

gnomAD v4.1: 6 of 1,614,210 alleles (0.00037%); highest among the groups gnomAD compares: Non-Finnish European, 0.00051%; no homozygotes.

Submission:

GeneDx
Classification: Uncertain significance. Last evaluated: 2025-04-24. Review status: criteria provided, single submitter. Criteria: GeneDx Variant Classification Process June 2021. Collection method: clinical testing. Allele origin: germline. Affected: yes.
Comment: Not observed at significant frequency in large population cohorts (gnomAD); In silico analysis indicates that this missense variant does not alter protein structure/function; Has not been previously published as pathogenic or benign to our knowledge

NM_006662.3(SRCAP):c.5182C>T (p.Pro1728Ser)

Gene: SRCAP (Snf2 related CREBBP activator protein; plus strand). Cytogenetic location: 16p11.2.
Variant type: single nucleotide variant.
Coding change: c.5182C>T on transcript NM_006662.3 (MANE Select); coding-DNA position 5182, C replaced by T.
Protein change: p.Pro1728Ser; replaces proline 1728 with serine.
Molecular consequence: missense variant.
Genome position (GRCh38, 1-based): chr16:30,724,606, C>T. VCF-style: chr16-30724606-C-T. GRCh37 (hg19) VCF-style: chr16-30735927-C-T.
Other names: short protein forms P1728S.
Identifiers: ClinVar variation 4527116 (VCV004527116.1).